The following is an entry in ClinVar:

NM_004629.2(FANCG):c.235A>T (p.Ile79Phe)

Gene: FANCG (FA complementation group G; minus strand). Cytogenetic location: 9p13.3.
Variant type: single nucleotide variant.
Coding change: c.235A>T on transcript NM_004629.2 (MANE Select); coding-DNA position 235, A replaced by T.
Protein change: p.Ile79Phe; replaces isoleucine 79 with phenylalanine.
Molecular consequence: missense variant.
Genome position (GRCh38, 1-based): chr9:35,078,677, T>A on the plus strand (A>T on the coding strand, the complement: FANCG is on the minus strand). VCF-style: chr9-35078677-T-A. GRCh37 (hg19) VCF-style: chr9-35078674-T-A.
Other names: short protein forms I79F.
Identifiers: ClinVar variation 5036495 (VCV005036495.1).
Genomic context (GRCh38, chr9:35,078,677, plus strand): 5'-TCCGCTGGATATCCTGGGCCTGATCCTCTGTGAAACCCTGGGCCAAGCTTGCCCTCAGGA[T>A]AATGAAGTTGCAGGTGACAGTCAGCTCCAAGGGAAGAACAGGAACAGCTGCAGGGAGCCC-3'
Protein context (NP_004620.1, residues 69-89): LELTVTCNFI[Ile79Phe]LRASLAQGFT

ClinVar aggregate classification (germline): Uncertain significance (1 of 4 stars; one submission).

Conditions:
Inborn genetic diseases. Identifiers: MedGen C0950123, MeSH D030342.

Submission:

Ambry Genetics
Classification: Uncertain significance for Inborn genetic diseases. Last evaluated: 2026-06-21. Review status: criteria provided, single submitter. Criteria: Ambry Variant Classification Scheme 2023. Collection method: clinical testing. Allele origin: germline.
Comment: The p.I79F variant (also known as c.235A>T), located in coding exon 3 of the FANCG gene, results from an A to T substitution at nucleotide position 235. The isoleucine at codon 79 is replaced by phenylalanine, an amino acid with highly similar properties. This amino acid position is conserved. In addition, this alteration is predicted to be tolerated by in silico analysis. Based on the available evidence, the clinical significance of this variant remains unclear.